The following is an entry in ClinVar:

ClinVar aggregate classification (germline): Uncertain significance (1 of 4 stars; one submission).

Conditions:
Hereditary sensory and autonomic neuropathy type 7. Also called: HSAN VII; Neuropathy, hereditary sensory and autonomic, type VII. Identifiers: Orphanet 391397, MedGen C3809882, MONDO:0014244, OMIM 615548.
Familial episodic pain syndrome with predominantly lower limb involvement. Also called: Episodic pain syndrome, familial, 3. Identifiers: Orphanet 391384, Orphanet 391392, MedGen C3809899, MONDO:0014247, OMIM 615552.

Submission:

Labcorp Genetics (formerly Invitae), Labcorp
Classification: Uncertain significance for Familial episodic pain syndrome with predominantly lower limb involvement; Hereditary sensory and autonomic neuropathy type 7. Last evaluated: 2024-03-25. Review status: criteria provided, single submitter. Criteria: Invitae Variant Classification Sherloc (09022015). Collection method: clinical testing. Allele origin: germline.
Comment: This sequence change replaces valine, which is neutral and non-polar, with glycine, which is neutral and non-polar, at codon 165 of the SCN11A protein (p.Val165Gly). This variant is not present in population databases (gnomAD no frequency). This variant has not been reported in the literature in individuals affected with SCN11A-related conditions. Advanced modeling of protein sequence and biophysical properties (such as structural, functional, and spatial information, amino acid conservation, physicochemical variation, residue mobility, and thermodynamic stability) has been performed at Invitae for this missense variant, however the output from this modeling did not meet the statistical confidence thresholds required to predict the impact of this variant on SCN11A protein function. In summary, the available evidence is currently insufficient to determine the role of this variant in disease. Therefore, it has been classified as a Variant of Uncertain Significance.

NM_001349253.2(SCN11A):c.494T>G (p.Val165Gly)

Gene: SCN11A (sodium voltage-gated channel alpha subunit 11; minus strand). Cytogenetic location: 3p22.2.
Variant type: single nucleotide variant.
Coding change: c.494T>G on transcript NM_001349253.2 (MANE Select); coding-DNA position 494, T replaced by G.
Protein change: p.Val165Gly; replaces valine 165 with glycine.
Molecular consequence: missense variant.
Genome position (GRCh38, 1-based): chr3:38,926,926, A>C on the plus strand (T>G on the coding strand, the complement: SCN11A is on the minus strand). VCF-style: chr3-38926926-A-C. GRCh37 (hg19) VCF-style: chr3-38968417-A-C.
Other names: c.494T>G, p.Val165Gly (NM_014139.3); short protein forms V165G.
Identifiers: ClinVar variation 3755506 (VCV003755506.2).
Genomic context (GRCh38, chr3:38,926,926, plus strand): 5'-AGAATGAAACCTCTTGCCAATATTTTAATCAAAGCTTCAAAAATATAAATCCCAGTGAAG[A>C]CACACCTAAAAAGCAAATCATTTACAACAGGAAGAAACATGATAAACAATGTGAAAAGCA-3'
Protein context (NP_001336182.1, residues 155-175): NSNNTDIAEC[Val165Gly]FTGIYIFEAL